The following is an entry in ClinVar:

NC_000019.9:g.(?_19304756)_(19304962_?)del

Gene: RFXANK (regulatory factor X associated ankyrin containing protein; plus strand). Cytogenetic location: 19p13.11.
Variant type: Deletion.
Identifiers: ClinVar variation 2424745 (VCV002424745.4).

ClinVar aggregate classification (germline): Pathogenic (1 of 4 stars; one submission).

Conditions:
MHC class II deficiency. Also called: Bare lymphocyte syndrome 2; BLS, TYPE II. Identifiers: Orphanet 572, MedGen C5447452, MONDO:0008855.

Submission:

Labcorp Genetics (formerly Invitae), Labcorp
Classification: Pathogenic for MHC class II deficiency. Last evaluated: 2022-10-03. Review status: criteria provided, single submitter. Criteria: Invitae Variant Classification Sherloc (09022015). Collection method: clinical testing. Allele origin: germline.
Comment: This variant has not been reported in the literature in individuals affected with RFXANK-related conditions. This variant is a gross deletion of the genomic region encompassing exon(s) 3 of the RFXANK gene, which includes the initiator codon. This deletion extends beyond the assayed region for this gene and therefore may encompass additional genes. It is expected to result in an absent or disrupted protein product. Loss-of-function variants in RFXANK are known to be pathogenic (PMID: 10803838, 16166641, 21908431). For these reasons, this variant has been classified as Pathogenic.

Literature cited by the submitters: PubMed 10803838; PubMed 16166641; PubMed 21908431.